The following is an entry in ClinVar:

ClinVar aggregate classification (germline): Uncertain significance. Review status: criteria provided, multiple submitters, no conflicts (2 of 4 stars). 4 submissions from 4 submitters: Uncertain significance (4). Last evaluated 2025-03-20.

Conditions:
Inborn genetic diseases. Identifiers: MedGen C0950123, MeSH D030342.

Allele frequency attached by ClinVar (database versions not stated): TOPMed 0.00007; ESP Exome Variant Server 0.00008; gnomAD exomes 0.00009 and 0.00011; ExAC 0.00010; gnomAD 0.00013 and 0.00014.
gnomAD v4.1: 187 of 1,613,718 alleles (0.012%); highest among the groups gnomAD compares: Admixed American, 0.02%; no homozygotes.

Submissions (4):

GeneDx
Classification: Uncertain significance. Last evaluated: 2025-03-20. Review status: criteria provided, single submitter. Criteria: GeneDx Variant Classification Process June 2021. Collection method: clinical testing. Allele origin: germline. Affected: yes.
Comment: In silico analysis supports that this missense variant has a deleterious effect on protein structure/function; Identified in the heterozygous state a patient with stable pigmentary retinopathy in published literature; however, a second HERC2 variant was not reported and variants in other ocular-related genes were identified (PMID: 34977425); This variant is associated with the following publications: (PMID: 34977425)

Ambry Genetics
Classification: Uncertain significance for Inborn genetic diseases. Last evaluated: 2022-07-07. Review status: criteria provided, single submitter. Criteria: Ambry Variant Classification Scheme 2023. Collection method: clinical testing. Allele origin: germline.

Revvity Omics, Revvity
Classification: Uncertain significance. Last evaluated: 2020-09-18. Review status: criteria provided, single submitter. Criteria: ACMG Guidelines, 2015. Collection method: clinical testing. Allele origin: germline.

Breakthrough Genomics
Classification: Uncertain significance. Review status: criteria provided, single submitter. Criteria: ACMG Guidelines, 2015. Collection method: not provided. Allele origin: germline. Inheritance: Autosomal recessive inheritance. Affected: yes.

NM_004667.6(HERC2):c.14015C>T (p.Thr4672Met)

Gene: HERC2 (HECT and RLD domain containing E3 ubiquitin protein ligase 2; minus strand). Cytogenetic location: 15q13.1.
Variant type: single nucleotide variant.
Coding change: c.14015C>T on transcript NM_004667.6 (MANE Select); coding-DNA position 14015, C replaced by T.
Protein change: p.Thr4672Met; replaces threonine 4672 with methionine.
Molecular consequence: missense variant.
Genome position (GRCh38, 1-based): chr15:28,113,577, G>A on the plus strand (C>T on the coding strand, the complement: HERC2 is on the minus strand). VCF-style: chr15-28113577-G-A. GRCh37 (hg19) VCF-style: chr15-28358723-G-A.
Other names: c.14015C>T (NM_004667.4); short protein forms T4672M.
Identifiers: ClinVar variation 1317814 (VCV001317814.8), dbSNP rs144912188, ClinGen allele CA7439773.